The following is an entry in ClinVar:

ClinVar aggregate classification (germline): Likely pathogenic (1 of 4 stars; one submission).

Conditions:
Thrombocytopenia 4 (THC4). Also called: THROMBOCYTOPENIA, AUTOSOMAL DOMINANT, 4. Identifiers: Orphanet 268322, MedGen C2677608, MONDO:0012775, OMIM 612004.

Submission:

ISTH-SSC Genomics in Thrombosis and Hemostasis, KU Leuven, Center for Molecular and Vascular Biology
Classification: Likely pathogenic for Thrombocytopenia 4. Review status: criteria provided, single submitter. Criteria: ACMG Guidelines, 2015. Collection method: clinical testing. Allele origin: germline. Affected: yes. Observed: 1 heterozygote.
Comment: Submitted to GoldVariant by Jose María Bastida and José Rivera; Grupo Español de Alteraciones Plaquetarias Congénitas (GEAPC)

NM_018947.6(CYCS):c.290C>A (p.Ala97Asp)

Gene: CYCS (cytochrome c, somatic; minus strand). Cytogenetic location: 7p15.3.
Variant type: single nucleotide variant.
Coding change: c.290C>A on transcript NM_018947.6 (MANE Select); coding-DNA position 290, C replaced by A.
Protein change: p.Ala97Asp; replaces alanine 97 with aspartic acid.
Molecular consequence: missense variant.
Genome position (GRCh38, 1-based): chr7:25,123,729, G>T on the plus strand (C>A on the coding strand, the complement: CYCS is on the minus strand). VCF-style: chr7-25123729-G-T. GRCh37 (hg19) VCF-style: chr7-25163348-G-T.
Other names: short protein forms A97D.
Identifiers: ClinVar variation 1703823 (VCV001703823.2), dbSNP rs2535205469, ClinGen allele CA367060003.